The following is an entry in ClinVar:

ClinVar aggregate classification (germline): Uncertain significance (1 of 4 stars; one submission).

Submission:

Women's Health and Genetics/Laboratory Corporation of America, LabCorp
Classification: Uncertain significance. Last evaluated: 2026-05-06. Review status: criteria provided, single submitter. Criteria: LabCorp Variant Classification Summary - May 2015. Collection method: clinical testing. Allele origin: germline.
Comment: Variant summary: COL3A1 c.3340A>C (p.Asn1114His) results in a conservative amino acid change in the encoded protein sequence. Algorithms developed to predict the effect of missense changes on protein structure and function all suggest that this variant is likely to be tolerated. The variant was absent in 249652 control chromosomes. The available data on variant occurrences in the general population are insufficient to allow any conclusion about variant significance. To our knowledge, no occurrence of c.3340A>C in individuals affected with COL3A1-related conditions and no experimental evidence demonstrating its impact on protein function have been reported. No submitters have cited clinical-significance assessments for this variant to ClinVar. Based on the evidence outlined above, the variant was classified as uncertain significance.

NM_000090.4(COL3A1):c.3340A>C (p.Asn1114His)

Gene: COL3A1 (collagen type III alpha 1 chain; plus strand). Cytogenetic location: 2q32.2.
Variant type: single nucleotide variant.
Coding change: c.3340A>C on transcript NM_000090.4 (MANE Select); coding-DNA position 3340, A replaced by C.
Protein change: p.Asn1114His; replaces asparagine 1114 with histidine.
Molecular consequence: missense variant.
Genome position (GRCh38, 1-based): chr2:189,007,584, A>C. VCF-style: chr2-189007584-A-C. GRCh37 (hg19) VCF-style: chr2-189872310-A-C.
Other names: short protein forms N1114H.
Identifiers: ClinVar variation 4853518 (VCV004853518.1).